The following is an entry in ClinVar:

ClinVar aggregate classification (germline): Likely benign. Review status: criteria provided, multiple submitters, no conflicts (2 of 4 stars). 2 submissions from 2 submitters: Likely benign (2). Last evaluated 2026-08-01.

Allele frequency attached by ClinVar (database versions not stated): TOPMed 0.00002; ExAC 0.00003; gnomAD exomes 0.00005 and 0.00009.
gnomAD v4.1: 70 of 1,614,172 alleles (0.0043%); highest among the groups gnomAD compares: Admixed American, 0.032%; 1 homozygote.

Submissions (2):

CeGaT Center for Human Genetics Tuebingen
Classification: Likely benign. Last evaluated: 2026-08-01. Review status: criteria provided, single submitter. Criteria: CeGaT Center For Human Genetics Tuebingen Variant Classification Criteria Version 2. Collection method: clinical testing. Allele origin: germline. Affected: yes. Observed: 2 variant alleles.
Comment: LAMA1: BP4, BP7

Labcorp Genetics (formerly Invitae), Labcorp
Classification: Likely benign. Last evaluated: 2022-02-22. Review status: criteria provided, single submitter. Criteria: Invitae Variant Classification Sherloc (09022015). Collection method: clinical testing. Allele origin: germline.

NM_005559.4(LAMA1):c.8289C>T (p.Tyr2763=)

Gene: LAMA1 (laminin subunit alpha 1; minus strand). Cytogenetic location: 18p11.31.
Variant type: single nucleotide variant.
Coding change: c.8289C>T on transcript NM_005559.4 (MANE Select); coding-DNA position 8289, C replaced by T.
Protein change: p.Tyr2763=; no amino-acid change (tyrosine 2763 retained).
Molecular consequence: synonymous variant.
Genome position (GRCh38, 1-based): chr18:6,950,890, G>A on the plus strand (C>T on the coding strand, the complement: LAMA1 is on the minus strand). VCF-style: chr18-6950890-G-A. GRCh37 (hg19) VCF-style: chr18-6950889-G-A.
Identifiers: ClinVar variation 733716 (VCV000733716.13), dbSNP rs750865106, ClinGen allele CA8880524.